The following is an entry in ClinVar:

ClinVar aggregate classification (germline): Uncertain significance. Review status: criteria provided, multiple submitters, no conflicts (2 of 4 stars). 2 submissions from 2 submitters: Uncertain significance (2). Last evaluated 2025-10-12.

Conditions:
Hypertrophic cardiomyopathy. Also called: HYPERTROPHIC MYOCARDIOPATHY. Identifiers: Orphanet 217569, MedGen C0007194, MeSH D002312, MONDO:0005045, HP:0001639.
Dilated cardiomyopathy 1S (CMD1S). Identifiers: Orphanet 154, Orphanet 54260, MedGen C1834481, MONDO:0013262, OMIM 613426.
MYH7-related skeletal myopathy. Also called: Myopathy, distal, 1; Laing early-onset distal myopathy; Laing distal myopathy; MYOPATHY, DISTAL, EARLY-ONSET, AUTOSOMAL DOMINANT; MYOPATHY, LATE DISTAL HEREDITARY. Identifiers: Orphanet 59135, MedGen C4552004, MONDO:0008050, OMIM 160500.
Hypertrophic cardiomyopathy 1 (CMH1). Also called: Familial hypertrophic cardiomyopathy 1; MYH7-Related Familial Hypertrophic Cardiomyopathy. Identifiers: MedGen C3495498, MONDO:0008647, OMIM 192600.

Submissions (2):

Clinical Genomics Laboratory, Washington University in St. Louis
Classification: Uncertain significance for Hypertrophic cardiomyopathy 1; MYH7-related skeletal myopathy; Dilated cardiomyopathy 1S. Last evaluated: 2025-10-12. Review status: criteria provided, single submitter. Criteria: ACMG Guidelines, 2015. Collection method: clinical testing. Allele origin: germline.
Comment: The MYH7 c.5401del (p.Glu1801Serfs*37) variant, to our knowledge, has not been reported in the medical literature. This variant has been reported in the ClinVar database as a germline variant of uncertain significance by one submitter. This variant is absent from the general population (gnomAD v.4.1.0), indicating it is not a common variant. This variant causes a frameshift by deleting one nucleotide, leading to a premature termination codon; however, loss of function is not the known disease mechanism. Due to limited information, and based on ACMG/AMP guidelines for variant interpretation (Richards S et al., PMID: 25741868), the clinical significance of this variant is uncertain at this time.

Labcorp Genetics (formerly Invitae), Labcorp
Classification: Uncertain significance for Hypertrophic cardiomyopathy. Last evaluated: 2024-03-25. Review status: criteria provided, single submitter. Criteria: Invitae Variant Classification Sherloc (09022015). Collection method: clinical testing. Allele origin: germline.
Comment: This sequence change creates a premature translational stop signal (p.Glu1801Serfs*37) in the MYH7 gene. It is expected to result in an absent or disrupted protein product. However, the current clinical and genetic evidence is not sufficient to establish whether loss-of-function variants in MYH7 cause disease. This variant is not present in population databases (gnomAD no frequency). This variant has not been reported in the literature in individuals affected with MYH7-related conditions. ClinVar contains an entry for this variant (Variation ID: 1045981). In summary, the available evidence is currently insufficient to determine the role of this variant in disease. Therefore, it has been classified as a Variant of Uncertain Significance.

NM_000257.4(MYH7):c.5401del (p.Glu1801fs)

Gene: MYH7 (myosin heavy chain 7; minus strand). Cytogenetic location: 14q11.2.
Variant type: Deletion.
Coding change: c.5401del on transcript NM_000257.4 (MANE Select); coding-DNA position 5401, one base deleted (G; older notation c.5401delG).
Protein change: p.Glu1801fs; shifts the reading frame from glutamic acid 1801.
Molecular consequence: frameshift variant.
Genome position (GRCh38, 1-based): chr14:23,415,153, C deleted on the plus strand (G on the coding strand, the reverse complement: MYH7 is on the minus strand). VCF-style (leftmost placement, unchanged base first): chr14-23415152-TC-T. GRCh37 (hg19) VCF-style: chr14-23884361-TC-T.
Other names: short protein forms E1801fs.
Identifiers: ClinVar variation 1045981 (VCV001045981.7), dbSNP rs1892135022, ClinGen allele CA2123462187.